The following is an entry in ClinVar:

ClinVar aggregate classification (germline): Uncertain significance (1 of 4 stars; one submission).

Conditions:
Hereditary hemorrhagic telangiectasia (HHT). Also called: ORW DISEASE; Osler Weber Rendu syndrome; OSLER-RENDU-WEBER DISEASE; Osler hemorrhagic telangiectasia syndrome. Identifiers: Orphanet 774, MedGen C0039445, MONDO:0019180. Disease mechanism: loss of function.

Allele frequency attached by ClinVar (database versions not stated): TOPMed below 0.00001.

Submission:

Labcorp Genetics (formerly Invitae), Labcorp
Classification: Uncertain significance for Hereditary hemorrhagic telangiectasia. Last evaluated: 2021-07-02. Review status: criteria provided, single submitter. Criteria: Invitae Variant Classification Sherloc (09022015). Collection method: clinical testing. Allele origin: germline.
Comment: This variant has not been reported in the literature in individuals affected with ENG-related conditions. This sequence change replaces proline with alanine at codon 257 of the ENG protein (p.Pro257Ala). The proline residue is weakly conserved and there is a small physicochemical difference between proline and alanine. This variant is not present in population databases (ExAC no frequency). Advanced modeling of protein sequence and biophysical properties (such as structural, functional, and spatial information, amino acid conservation, physicochemical variation, residue mobility, and thermodynamic stability) performed at Invitae indicates that this missense variant is not expected to disrupt ENG protein function. In summary, the available evidence is currently insufficient to determine the role of this variant in disease. Therefore, it has been classified as a Variant of Uncertain Significance.

NM_001114753.3(ENG):c.769C>G (p.Pro257Ala)

Gene: ENG (endoglin; minus strand). Cytogenetic location: 9q34.11.
Variant type: single nucleotide variant.
Coding change: c.769C>G on transcript NM_001114753.3 (MANE Select); coding-DNA position 769, C replaced by G.
Protein change: p.Pro257Ala; replaces proline 257 with alanine.
Molecular consequence: missense variant.
Genome position (GRCh38, 1-based): chr9:127,825,278, G>C on the plus strand (C>G on the coding strand, the complement: ENG is on the minus strand). VCF-style: chr9-127825278-G-C. GRCh37 (hg19) VCF-style: chr9-130587557-G-C.
Other names: c.769C>G, p.Pro257Ala (NM_000118.4, NM_001406715.1); c.223C>G, p.Pro75Ala (NM_001278138.2); short protein forms P257A, P75A.
Identifiers: ClinVar variation 1404313 (VCV001404313.9), dbSNP rs1830580408, ClinGen allele CA374983275.